The following is an entry in ClinVar:

NM_145698.5(ACBD5):c.1356G>C (p.Gln452His)

Gene: ACBD5 (acyl-CoA binding domain containing 5; minus strand). Cytogenetic location: 10p12.1.
Variant type: single nucleotide variant.
Coding change: c.1356G>C on transcript NM_145698.5 (MANE Select); coding-DNA position 1356, G replaced by C.
Protein change: p.Gln452His; replaces glutamine 452 with histidine.
Molecular consequence: missense variant.
Genome position (GRCh38, 1-based): chr10:27,208,294, C>G on the plus strand (G>C on the coding strand, the complement: ACBD5 is on the minus strand). VCF-style: chr10-27208294-C-G. GRCh37 (hg19) VCF-style: chr10-27497223-C-G.
Other names: c.1251G>C, p.Gln417His (NM_001042473.4, NM_001352577.2, NM_001352578.2 and 1 more transcripts); c.1350G>C, p.Gln450His (NM_001271512.3); c.1029G>C, p.Gln343His (NM_001301251.2, NM_001301252.2, NM_001301253.2 and 2 more transcripts); c.825G>C, p.Gln275His (NM_001301254.2); c.1410G>C, p.Gln470His (NM_001352568.1); c.1389G>C, p.Gln463His (NM_001352569.1); c.1356G>C, p.Gln452His (NM_001352570.1); c.1383G>C, p.Gln461His (NM_001352571.1); and 11 more; short protein forms Q275H, Q343H, Q349H, Q354H, Q382H, Q384H, Q393H, Q395H.
Identifiers: ClinVar variation 1016738 (VCV001016738.8), dbSNP rs746920760, ClinGen allele CA5450666.

ClinVar aggregate classification (germline): Uncertain significance. Review status: criteria provided, multiple submitters, no conflicts (2 of 4 stars). 2 submissions from 2 submitters: Uncertain significance (2). Last evaluated 2023-10-20.

Conditions:
Inborn genetic diseases. Identifiers: MedGen C0950123, MeSH D030342.

Allele frequency attached by ClinVar (database versions not stated): ExAC 0.00001; gnomAD 0.00001; gnomAD exomes 0.00001 and 0.00002.
gnomAD v4.1: 32 of 1,614,082 alleles (0.002%); highest among the groups gnomAD compares: African/African-American, 0.0027%; no homozygotes.

Submissions (2):

Ambry Genetics
Classification: Uncertain significance for Inborn genetic diseases. Last evaluated: 2023-10-20. Review status: criteria provided, single submitter. Criteria: Ambry Variant Classification Scheme 2023. Collection method: clinical testing. Allele origin: germline.

Labcorp Genetics (formerly Invitae), Labcorp
Classification: Uncertain significance. Last evaluated: 2021-12-13. Review status: criteria provided, single submitter. Criteria: Invitae Variant Classification Sherloc (09022015). Collection method: clinical testing. Allele origin: germline.
Comment: Algorithms developed to predict the effect of missense changes on protein structure and function are either unavailable or do not agree on the potential impact of this missense change (SIFT: "Tolerated"; PolyPhen-2: "Probably Damaging"; Align-GVGD: "Class C0"). ClinVar contains an entry for this variant (Variation ID: 1016738). This variant has not been reported in the literature in individuals affected with ACBD5-related conditions. This variant is present in population databases (rs746920760, gnomAD 0.003%). This sequence change replaces glutamine, which is neutral and polar, with histidine, which is basic and polar, at codon 452 of the ACBD5 protein (p.Gln452His). In summary, the available evidence is currently insufficient to determine the role of this variant in disease. Therefore, it has been classified as a Variant of Uncertain Significance.